The following is an entry in ClinVar:

NM_005475.3(SH2B3):c.34T>G (p.Ser12Ala)

Gene: SH2B3 (SH2B adaptor protein 3; plus strand). Cytogenetic location: 12q24.12.
Variant type: single nucleotide variant.
Coding change: c.34T>G on transcript NM_005475.3 (MANE Select); coding-DNA position 34, T replaced by G.
Protein change: p.Ser12Ala; replaces serine 12 with alanine.
Molecular consequence: missense variant.
Genome position (GRCh38, 1-based): chr12:111,418,179, T>G. VCF-style: chr12-111418179-T-G. GRCh37 (hg19) VCF-style: chr12-111855983-T-G.
Other names: short protein forms S12A.
Identifiers: ClinVar variation 4163988 (VCV004163988.1).
Genomic context (GRCh38, chr12:111,418,179, plus strand): 5'-CCCGGCCGCACCACCTGGGTCTCCGCCATGAACGGGCCTGCCCTGCAGCCCTCCTCGCCC[T>G]CTTCCGCGCCCTCAGCCTCCCCGGCGGCGGCCCCGCGGGGCTGGAGCGAGTTCTGTGAGT-3'
Protein context (NP_005466.1, residues 2-22): NGPALQPSSP[Ser12Ala]SAPSASPAAA

ClinVar aggregate classification (germline): Uncertain significance (1 of 4 stars; one submission).

Conditions:
Inborn genetic diseases. Identifiers: MedGen C0950123, MeSH D030342.

gnomAD v4.1: 2 of 1,557,304 alleles (0.00013%); no homozygotes.

Submission:

Ambry Genetics
Classification: Uncertain significance for Inborn genetic diseases. Last evaluated: 2025-08-12. Review status: criteria provided, single submitter. Criteria: Ambry Variant Classification Scheme 2023. Collection method: clinical testing. Allele origin: germline.
Comment: The p.S12A variant (also known as c.34T>G), located in coding exon 1 of the SH2B3 gene, results from a T to G substitution at nucleotide position 34. The serine at codon 12 is replaced by alanine, an amino acid with similar properties. This amino acid position is conserved. In addition, this alteration is predicted to be tolerated by in silico analysis. Based on the available evidence, the clinical significance of this variant remains unclear.